The following is an entry in ClinVar:

ClinVar aggregate classification (germline): Uncertain significance (1 of 4 stars; one submission).

Conditions:
Mowat-Wilson syndrome (MOWS). Also called: Classic Mowat-Wilson Syndrome. Identifiers: Orphanet 2152, MedGen C1856113, MONDO:0009341, OMIM 235730.

Allele frequency attached by ClinVar (database versions not stated): TOPMed below 0.00001; gnomAD 0.00001.
gnomAD v4.1: 1 of 1,613,612 alleles (0.000062%); highest among the groups gnomAD compares: Non-Finnish European, 0.000085%; no homozygotes.

Submission:

Labcorp Genetics (formerly Invitae), Labcorp
Classification: Uncertain significance for Mowat-Wilson syndrome. Last evaluated: 2019-02-02. Review status: criteria provided, single submitter. Criteria: Invitae Variant Classification Sherloc (09022015). Collection method: clinical testing. Allele origin: germline.
Comment: In summary, the available evidence is currently insufficient to determine the role of this variant in disease. Therefore, it has been classified as a Variant of Uncertain Significance. Algorithms developed to predict the effect of missense changes on protein structure and function are either unavailable or do not agree on the potential impact of this missense change (SIFT: "Tolerated"; PolyPhen-2: "Probably Damaging"; Align-GVGD: "Class C0"). This variant has not been reported in the literature in individuals with ZEB2-related conditions. This variant is not present in population databases (ExAC no frequency). This sequence change replaces lysine with threonine at codon 377 of the ZEB2 protein (p.Lys377Thr). The lysine residue is highly conserved and there is a moderate physicochemical difference between lysine and threonine.

NM_014795.4(ZEB2):c.1130A>C (p.Lys377Thr)

Gene: ZEB2 (zinc finger E-box binding homeobox 2; minus strand). Cytogenetic location: 2q22.3.
Variant type: single nucleotide variant.
Coding change: c.1130A>C on transcript NM_014795.4 (MANE Select); coding-DNA position 1130, A replaced by C.
Protein change: p.Lys377Thr; replaces lysine 377 with threonine.
Molecular consequence: missense variant.
Genome position (GRCh38, 1-based): chr2:144,400,057, T>G on the plus strand (A>C on the coding strand, the complement: ZEB2 is on the minus strand). VCF-style: chr2-144400057-T-G. GRCh37 (hg19) VCF-style: chr2-145157624-T-G.
Other names: c.1058A>C, p.Lys353Thr (NM_001171653.2); short protein forms K377T, K353T.
Identifiers: ClinVar variation 840157 (VCV000840157.9), dbSNP rs1489720797, ClinGen allele CA348712538.
Genomic context (GRCh38, chr2:144,400,057, plus strand): 5'-AAGTCTAGTGGTTCTGTTTTAATTTTAAGTAAGCCTGTCTGTTCAGACATACTAAGTGGT[T>G]TTCCATTCTCCAACTTGTTTCTTAACTGGGTAATGGCTGAATTAGTAGGAGAAGAAGAAA-3'
Protein context (NP_055610.1, residues 367-387): TQLRNKLENG[Lys377Thr]PLSMSEQTGL